The following is an entry in ClinVar:

NM_000535.7(PMS2):c.804-1G>C

Gene: PMS2 (PMS1 homolog 2, mismatch repair system component; minus strand). Cytogenetic location: 7p22.1.
Variant type: single nucleotide variant.
Coding change: c.804-1G>C on transcript NM_000535.7 (MANE Select); the canonical splice acceptor site of the intron before coding-DNA position 804, G replaced by C.
Molecular consequence: splice acceptor variant. On other transcripts: intron variant (4).
Genome position (GRCh38, 1-based): chr7:5,995,634, C>G on the plus strand (G>C on the coding strand, the complement: PMS2 is on the minus strand). VCF-style: chr7-5995634-C-G. GRCh37 (hg19) VCF-style: chr7-6035265-C-G.
Other names: c.486-1G>C (NM_001322008.2, NM_001406902.1, NM_001406883.1 and 4 more transcripts); c.495-1G>C (NM_001406881.1, NM_001406879.1, NM_001322015.2 and 6 more transcripts); c.399-1G>C (NM_001406895.1, NM_001322010.2, NM_001322004.2 and 19 more transcripts); c.133-3577G>C (NM_001406911.1); c.291-1G>C (NM_001406904.1, NM_001406905.1); c.231-1G>C (NM_001322013.2, NM_001406909.1); c.-130-1G>C (NM_001322012.2, NM_001322011.2); c.468-1G>C (NM_001406885.1); and 8 more.
Identifiers: ClinVar variation 1761766 (VCV001761766.3), dbSNP rs1562664845, ClinGen allele CA366743588.

ClinVar aggregate classification (germline): Likely pathogenic. Review status: criteria provided, multiple submitters, no conflicts (2 of 4 stars). 2 submissions from 2 submitters: Likely pathogenic (2). Last evaluated 2022-12-19.

Conditions:
Hereditary cancer-predisposing syndrome. Also called: Neoplastic Syndromes, Hereditary; Tumor predisposition; Hereditary Cancer Syndrome; Hereditary neoplastic syndrome. Identifiers: Orphanet 140162, MedGen C0027672, MeSH D009386, MONDO:0015356.
Lynch syndrome 4 (LYNCH4). Also called: Colorectal cancer, hereditary nonpolyposis, type 4; Hereditary non-polyposis colorectal cancer, type 4. Identifiers: Orphanet 144, MedGen C1838333, MONDO:0013699, OMIM 614337. Disease mechanism: loss of function.

Submissions (2):

Baylor Genetics
Classification: Likely pathogenic for Lynch syndrome 4. Last evaluated: 2022-12-19. Review status: criteria provided, single submitter. Criteria: ACMG Guidelines, 2015. Collection method: clinical testing. Allele origin: unknown.

Ambry Genetics
Classification: Likely pathogenic for Hereditary cancer-predisposing syndrome. Last evaluated: 2020-05-29. Review status: criteria provided, single submitter. Criteria: Ambry Variant Classification Scheme 2023. Collection method: clinical testing. Allele origin: germline.
Comment: The c.804-1G>C intronic variant results from a G to C substitution one nucleotide upstream from coding exon 8 of the PMS2 gene. This nucleotide position is highly conserved in available vertebrate species. The BDGP and ESEfinder in silico splicing models do not produce a reliable prediction for the nearby native splice acceptor site. Using the Maximum Entropy Scan (MaxEntScan) splice site prediction tool, this alteration is predicted to abolish the native splice acceptor site; however, direct evidence is unavailable (Yeo G, Burge CB. J Comput Biol. 2004;11(2-3):377394). Alterations that disrupt the canonical splice site are expected to cause aberrant splicing, resulting in an abnormal protein or a transcript that is subject to nonsense-mediated mRNA decay. As such, this alteration is classified as likely pathogenic.